The following is an entry in ClinVar:

ClinVar aggregate classification (germline): Uncertain significance (1 of 4 stars; one submission).

Conditions:
Inborn genetic diseases. Identifiers: MedGen C0950123, MeSH D030342.

Submission:

Ambry Genetics
Classification: Uncertain significance for Inborn genetic diseases. Last evaluated: 2025-05-22. Review status: criteria provided, single submitter. Criteria: Ambry Variant Classification Scheme 2023. Collection method: clinical testing. Allele origin: germline.
Comment: The p.D43E variant (also known as c.129C>A), located in coding exon 2 of the BMPR2 gene, results from a C to A substitution at nucleotide position 129. The aspartic acid at codon 43 is replaced by glutamic acid, an amino acid with highly similar properties. This amino acid position is conserved. In addition, the in silico prediction for this alteration is inconclusive. Based on the available evidence, the clinical significance of this variant remains unclear.

NM_001204.7(BMPR2):c.129C>A (p.Asp43Glu)

Gene: BMPR2 (bone morphogenetic protein receptor type 2; plus strand). Cytogenetic location: 2q33.1.
Variant type: single nucleotide variant.
Coding change: c.129C>A on transcript NM_001204.7 (MANE Select); coding-DNA position 129, C replaced by A.
Protein change: p.Asp43Glu; replaces aspartic acid 43 with glutamic acid.
Molecular consequence: missense variant.
Genome position (GRCh38, 1-based): chr2:202,464,861, C>A. VCF-style: chr2-202464861-C-A. GRCh37 (hg19) VCF-style: chr2-203329584-C-A.
Other names: short protein forms D43E.
Identifiers: ClinVar variation 3992195 (VCV003992195.1).